The following is an entry in ClinVar:

ClinVar aggregate classification (germline): Uncertain significance (1 of 4 stars; one submission).

Conditions:
Chuvash polycythemia. Also called: POLYCYTHEMIA, VHL-DEPENDENT. Identifiers: Orphanet 238557, MedGen C1837915, MONDO:0009892, OMIM 263400.
Von Hippel-Lindau syndrome (VHLS). Also called: Von Hippel-Lindau; VHL syndrome; von Hippel–Lindau syndrome. Identifiers: Orphanet 892, MedGen C0019562, MONDO:0008667, OMIM 193300. Disease mechanism: loss of function.

Submission:

Labcorp Genetics (formerly Invitae), Labcorp
Classification: Uncertain significance for Von Hippel-Lindau syndrome; Chuvash polycythemia. Last evaluated: 2018-12-01. Review status: criteria provided, single submitter. Criteria: Invitae Variant Classification Sherloc (09022015). Collection method: clinical testing. Allele origin: germline.
Comment: In summary, the available evidence is currently insufficient to determine the role of this variant in disease. Therefore, it has been classified as a Variant of Uncertain Significance. Algorithms developed to predict the effect of missense changes on protein structure and function are either unavailable or do not agree on the potential impact of this missense change (SIFT: "Deleterious"; PolyPhen-2: "Probably Damaging"; Align-GVGD: "Class C0"). This variant has not been reported in the literature in individuals with VHL-related conditions. This variant is not present in population databases (ExAC no frequency). This sequence change replaces valine with phenylalanine at codon 165 of the VHL protein (p.Val165Phe). The valine residue is highly conserved and there is a small physicochemical difference between valine and phenylalanine.

NM_000551.4(VHL):c.493G>T (p.Val165Phe)

Genes: VHL (von Hippel-Lindau tumor suppressor; plus strand), LOC107303340 (3p25 von Hippel-Lindau tumor suppressor, E3 ubiquitin protein ligase Alu-mediated recombination region; plus strand). Cytogenetic location: 3p25.3.
Variant type: single nucleotide variant.
Coding change: c.493G>T on transcript NM_000551.4 (MANE Select); coding-DNA position 493, G replaced by T.
Protein change: p.Val165Phe; replaces valine 165 with phenylalanine.
Molecular consequence: missense variant. On other transcripts: 3 prime UTR variant (1).
Genome position (GRCh38, 1-based): chr3:10,149,816, G>T. VCF-style: chr3-10149816-G-T. GRCh37 (hg19) VCF-style: chr3-10191500-G-T.
Other names: c.*47G>T (NM_001354723.2); c.370G>T, p.Val124Phe (NM_198156.3); short protein forms V124F, V165F.
Identifiers: ClinVar variation 649259 (VCV000649259.9), dbSNP rs1575932103, ClinGen allele CA351756163.
Genomic context (GRCh38, chr3:10,149,816, plus strand): 5'-GCCACTGAGGATTTGGTTTTTGCCCTTCCAGTGTATACTCTGAAAGAGCGATGCCTCCAG[G>T]TTGTCCGGAGCCTAGTCAAGCCTGAGAATTACAGGAGACTGGACATCGTCAGGTCGCTCT-3'
Protein context (NP_000542.1, residues 155-175): VYTLKERCLQ[Val165Phe]VRSLVKPENY